The following is an entry in ClinVar:

ClinVar aggregate classification (germline): Conflicting classifications of pathogenicity. Review status: criteria provided, conflicting classifications (1 of 4 stars). 2 submissions from 2 submitters: Pathogenic (1); Uncertain significance (1). Last evaluated 2022-11-01.

Submissions (2):

Labcorp Genetics (formerly Invitae), Labcorp
Classification: Pathogenic. Last evaluated: 2022-11-01. Review status: criteria provided, single submitter. Criteria: Invitae Variant Classification Sherloc (09022015). Collection method: clinical testing. Allele origin: germline.
Comment: This sequence change creates a premature translational stop signal (p.Arg1336*) in the VCAN gene. It is expected to result in an absent or disrupted protein product. Loss-of-function variants in VCAN are known to be pathogenic (PMID: 26720455). For these reasons, this variant has been classified as Pathogenic. ClinVar contains an entry for this variant (Variation ID: 1459411). This variant has not been reported in the literature in individuals affected with VCAN-related conditions. This variant is not present in population databases (gnomAD no frequency).

Blueprint Genetics
Classification: Uncertain significance. Last evaluated: 2022-06-07. Review status: criteria provided, single submitter. Criteria: ACMG Guidelines, 2015. Collection method: clinical testing. Allele origin: germline.

Literature cited by the submitters: PubMed 26720455 (cited by Labcorp Genetics (formerly Invitae), Labcorp).

NM_004385.5(VCAN):c.4006C>T (p.Arg1336Ter)

Genes: VCAN (versican; plus strand), VCAN-AS1 (VCAN antisense RNA 1; minus strand). Cytogenetic location: 5q14.3.
Variant type: single nucleotide variant.
Coding change: c.4006C>T on transcript NM_004385.5 (MANE Select); coding-DNA position 4006, C replaced by T.
Protein change: p.Arg1336Ter; replaces arginine 1336 with a stop codon.
Molecular consequence: nonsense. On other transcripts: intron variant (2).
Genome position (GRCh38, 1-based): chr5:83,537,009, C>T. VCF-style: chr5-83537009-C-T. GRCh37 (hg19) VCF-style: chr5-82832828-C-T.
Other names: c.1045C>T, p.Arg349Ter (NM_001164097.2); c.4004-8528C>T (NM_001164098.2); c.1043-8528C>T (NM_001126336.3); short protein forms R349*, R1336*.
Identifiers: ClinVar variation 1459411 (VCV001459411.7), dbSNP rs928940812, ClinGen allele CA121807212.
Genomic context (GRCh38, chr5:83,537,009, plus strand): 5'-TCTGTCATACACTGCCAAATTTTCTATTTAAGTATTGTGAAAACTCTGTTTTTTTCAGGT[C>T]GAATGAGTGATTTGAGTGTAATTGGTCATCCAATAGATTCAGAATCTAAAGAAGATGAAC-3'